The following is an entry in ClinVar:

NM_001385012.1(NBEA):c.5339T>C (p.Leu1780Pro)

Gene: NBEA (neurobeachin; plus strand). Cytogenetic location: 13q13.3.
Variant type: single nucleotide variant.
Coding change: c.5339T>C on transcript NM_001385012.1 (MANE Select); coding-DNA position 5339, T replaced by C.
Protein change: p.Leu1780Pro; replaces leucine 1780 with proline.
Molecular consequence: missense variant.
Genome position (GRCh38, 1-based): chr13:35,196,275, T>C. VCF-style: chr13-35196275-T-C. GRCh37 (hg19) VCF-style: chr13-35770412-T-C.
Other names: c.5330T>C, p.Leu1777Pro (NM_001379245.1); c.5339T>C, p.Leu1780Pro (NM_015678.5); short protein forms L1777P, L1780P.
Identifiers: ClinVar variation 2499181 (VCV002499181.1), dbSNP rs2504153315, ClinGen allele CA387834783.
Genomic context (GRCh38, chr13:35,196,275, plus strand): 5'-GTGGCCCTGAACCTATCCCATACCCAGATCCAGCATTGAAGAGAGAAACACAAGCTATTC[T>C]TCCTATGCAGTTTCATTCCTTTGACAGGTAGGTACTGAACTTATTATTCACAGGGCTTTA-3'
Protein context (NP_001371941.1, residues 1770-1790): PALKRETQAI[Leu1780Pro]PMQFHSFDRS

ClinVar aggregate classification (germline): Uncertain significance (1 of 4 stars; one submission).

Submission:

GeneDx
Classification: Uncertain significance. Last evaluated: 2022-10-11. Review status: criteria provided, single submitter. Criteria: GeneDx Variant Classification Process June 2021. Collection method: clinical testing. Allele origin: germline. Affected: yes.
Comment: Not observed at significant frequency in large population cohorts (gnomAD); In silico analysis supports that this missense variant does not alter protein structure/function; Has not been previously published as pathogenic or benign to our knowledge